The following is an entry in ClinVar:

ClinVar aggregate classification (germline): Uncertain significance (1 of 4 stars; one submission).

Submission:

GeneDx
Classification: Uncertain significance. Last evaluated: 2024-09-23. Review status: criteria provided, single submitter. Criteria: GeneDx Variant Classification Process June 2021. Collection method: clinical testing. Allele origin: germline. Affected: yes.
Comment: Not observed at significant frequency in large population cohorts (gnomAD); In silico analysis supports that this missense variant has a deleterious effect on protein structure/function; Has not been previously published as pathogenic or benign to our knowledge

NM_001110556.2(FLNA):c.7085G>T (p.Gly2362Val)

Gene: FLNA (filamin A; minus strand). Cytogenetic location: Xq28.
Variant type: single nucleotide variant.
Coding change: c.7085G>T on transcript NM_001110556.2 (MANE Select); coding-DNA position 7085, G replaced by T.
Protein change: p.Gly2362Val; replaces glycine 2362 with valine.
Molecular consequence: missense variant.
Genome position (GRCh38, 1-based): chrX:154,350,980, C>A on the plus strand (G>T on the coding strand, the complement: FLNA is on the minus strand). VCF-style: chrX-154350980-C-A. GRCh37 (hg19) VCF-style: chrX-153579348-C-A.
Other names: c.7061G>T, p.Gly2354Val (NM_001456.4); short protein forms G2354V, G2362V.
Identifiers: ClinVar variation 3774115 (VCV003774115.1).